The following is an entry in ClinVar:

ClinVar aggregate classification (germline): Uncertain significance (1 of 4 stars; one submission).

Submission:

Ambry Genetics
Classification: Uncertain significance. Last evaluated: 2024-03-18. Review status: criteria provided, single submitter. Criteria: Ambry Variant Classification Scheme 2023. Collection method: clinical testing. Allele origin: germline.
Comment: The p.R1596G variant (also known as c.4786A>G), located in coding exon 42 of the KIF1B gene, results from an A to G substitution at nucleotide position 4786. The arginine at codon 1596 is replaced by glycine, an amino acid with dissimilar properties. This amino acid position is conserved. In addition, the in silico prediction for this alteration is inconclusive. Based on the available evidence, the clinical significance of this alteration remains unclear.

NM_001365951.3(KIF1B):c.4924A>G (p.Arg1642Gly)

Gene: KIF1B (kinesin family member 1B; plus strand). Cytogenetic location: 1p36.22.
Variant type: single nucleotide variant.
Coding change: c.4924A>G on transcript NM_001365951.3 (MANE Select); coding-DNA position 4924, A replaced by G.
Protein change: p.Arg1642Gly; replaces arginine 1642 with glycine.
Molecular consequence: missense variant.
Genome position (GRCh38, 1-based): chr1:10,371,240, A>G. VCF-style: chr1-10371240-A-G. GRCh37 (hg19) VCF-style: chr1-10431298-A-G.
Other names: c.4924A>G, p.Arg1642Gly (NM_001365952.1); c.4786A>G, p.Arg1596Gly (NM_015074.3); short protein forms R1596G, R1642G.
Identifiers: ClinVar variation 3288398 (VCV003288398.1).